The following is an entry in ClinVar:

ClinVar aggregate classification (germline): Uncertain significance. Review status: criteria provided, multiple submitters, no conflicts (2 of 4 stars). 3 submissions from 3 submitters: Uncertain significance (3). Last evaluated 2024-09-19.

Conditions:
Hereditary nonpolyposis colorectal neoplasms. Identifiers: MedGen C0009405, MeSH D003123.
Lynch syndrome 4 (LYNCH4). Also called: Colorectal cancer, hereditary nonpolyposis, type 4; Hereditary non-polyposis colorectal cancer, type 4. Identifiers: Orphanet 144, MedGen C1838333, MONDO:0013699, OMIM 614337. Disease mechanism: loss of function.

Submissions (3):

Labcorp Genetics (formerly Invitae), Labcorp
Classification: Uncertain significance for Hereditary nonpolyposis colorectal neoplasms. Last evaluated: 2024-09-19. Review status: criteria provided, single submitter. Criteria: Invitae Variant Classification Sherloc (09022015). Collection method: clinical testing. Allele origin: germline.
Comment: This sequence change falls in intron 12 of the PMS2 gene. It does not directly change the encoded amino acid sequence of the PMS2 protein. It affects a nucleotide within the consensus splice site. The frequency data for this variant in the population databases (gnomAD) is considered unreliable due to the presence of homologous sequence, such as pseudogenes or paralogs, in the genome. This variant has not been reported in the literature in individuals affected with PMS2-related conditions. ClinVar contains an entry for this variant (Variation ID: 1693346). Variants that disrupt the consensus splice site are a relatively common cause of aberrant splicing (PMID: 17576681, 9536098). RNA analysis provides insufficient evidence to determine the effect of this variant on PMS2 splicing (internal data). In summary, the available evidence is currently insufficient to determine the role of this variant in disease. Therefore, it has been classified as a Variant of Uncertain Significance.

Baylor Genetics
Classification: Uncertain significance for Lynch syndrome 4. Last evaluated: 2022-03-16. Review status: criteria provided, single submitter. Criteria: ACMG Guidelines, 2015. Collection method: clinical testing. Allele origin: unknown.

GeneDx
Classification: Uncertain significance. Last evaluated: 2022-01-04. Review status: criteria provided, single submitter. Criteria: GeneDx Variant Classification Process June 2021. Collection method: clinical testing. Allele origin: germline. Affected: yes.
Comment: Not observed at significant frequency in large population cohorts (gnomAD); In silico analysis supports a deleterious effect on splicing; Has not been previously published as pathogenic or benign to our knowledge

Literature cited by the submitters: PubMed 17576681 (cited by Labcorp Genetics (formerly Invitae), Labcorp); PubMed 9536098 (cited by Labcorp Genetics (formerly Invitae), Labcorp).

NM_000535.7(PMS2):c.2174+6T>A

Gene: PMS2 (PMS1 homolog 2, mismatch repair system component; minus strand). Cytogenetic location: 7p22.1.
Variant type: single nucleotide variant.
Coding change: c.2174+6T>A on transcript NM_000535.7 (MANE Select); 6 bases into the intron after coding-DNA position 2174, T replaced by A.
Molecular consequence: intron variant.
Genome position (GRCh38, 1-based): chr7:5,982,818, A>T on the plus strand (T>A on the coding strand, the complement: PMS2 is on the minus strand). VCF-style: chr7-5982818-A-T. GRCh37 (hg19) VCF-style: chr7-6022449-A-T.
Other names: c.1856+6T>A (NM_001322008.2, NM_001322007.2); c.1613+6T>A (NM_001322010.2); c.1769+6T>A (NM_001322004.2, NM_001322003.2, NM_001322009.2 and 1 more transcripts); c.1601+6T>A (NM_001322013.2); c.1241+6T>A (NM_001322012.2, NM_001322011.2); c.1865+6T>A (NM_001322015.2); c.2018+6T>A (NM_001322006.2); c.2174+6T>A (NM_001322014.2).
Identifiers: ClinVar variation 1693346 (VCV001693346.8), dbSNP rs587780050, ClinGen allele CA2578823859.